The following is an entry in ClinVar:

NM_033380.3(COL4A5):c.2244+2T>C

Gene: COL4A5 (collagen type IV alpha 5 chain; plus strand). Cytogenetic location: Xq22.3.
Variant type: single nucleotide variant.
Coding change: c.2244+2T>C on transcript NM_033380.3 (MANE Select); the canonical splice donor site of the intron after coding-DNA position 2244, T replaced by C.
Molecular consequence: splice donor variant.
Genome position (GRCh38, 1-based): chrX:108,603,063, T>C. VCF-style: chrX-108603063-T-C. GRCh37 (hg19) VCF-style: chrX-107846293-T-C.
Other names: c.2244+2T>C (NM_000495.5).
Identifiers: ClinVar variation 2737341 (VCV002737341.3), dbSNP rs104886347, ClinGen allele CA413847650.

ClinVar aggregate classification (germline): Likely pathogenic (1 of 4 stars; one submission).

Submission:

Labcorp Genetics (formerly Invitae), Labcorp
Classification: Likely pathogenic. Last evaluated: 2022-11-16. Review status: criteria provided, single submitter. Criteria: Invitae Variant Classification Sherloc (09022015). Collection method: clinical testing. Allele origin: germline.
Comment: In summary, the currently available evidence indicates that the variant is pathogenic, but additional data are needed to prove that conclusively. Therefore, this variant has been classified as Likely Pathogenic. Algorithms developed to predict the effect of sequence changes on RNA splicing suggest that this variant may disrupt the consensus splice site. Disruption of this splice site has been observed in individual(s) with clinical features of Alport syndrome (PMID: 16941480). This variant is not present in population databases (gnomAD no frequency). This sequence change affects a donor splice site in intron 28 of the COL4A5 gene. It is expected to disrupt RNA splicing. Variants that disrupt the donor or acceptor splice site typically lead to a loss of protein function (PMID: 16199547), and loss-of-function variants in COL4A5 are known to be pathogenic (PMID: 9195222, 10752524, 14514738, 24854265, 26809805).

Literature cited by the submitters: PubMed 16941480; PubMed 16199547; PubMed 9195222; PubMed 10752524; PubMed 14514738; PubMed 24854265; PubMed 26809805.